The following is an entry in ClinVar:

NM_018967.5(SNTG1):c.1479A>G (p.Leu493=)

Gene: SNTG1 (syntrophin gamma 1; plus strand). Cytogenetic location: 8q11.21.
Variant type: single nucleotide variant.
Coding change: c.1479A>G on transcript NM_018967.5 (MANE Select); coding-DNA position 1479, A replaced by G.
Protein change: p.Leu493=; no amino-acid change (leucine 493 retained).
Molecular consequence: synonymous variant. On other transcripts: non-coding transcript variant (4).
Genome position (GRCh38, 1-based): chr8:50,792,754, A>G. VCF-style: chr8-50792754-A-G. GRCh37 (hg19) VCF-style: chr8-51705314-A-G.
Other names: c.1479A>G, p.Leu493= (NM_001287813.3, NM_001321773.2); c.1368A>G, p.Leu456= (NM_001287814.3).
Identifiers: ClinVar variation 4980233 (VCV004980233.1).

ClinVar aggregate classification (germline): Likely benign (1 of 4 stars; one submission).

Conditions:
SNTG1-related disorder. Also called: SNTG1-related condition.

gnomAD v4.1: 235 of 1,612,442 alleles (0.015%); highest among the groups gnomAD compares: South Asian, 0.25%; 1 homozygote.

Submission:

PreventionGenetics, part of Exact Sciences
Classification: Likely benign for SNTG1-related condition. Last evaluated: 2024-12-04. Review status: criteria provided, single submitter. Criteria: ACMG Guidelines, 2015. Collection method: clinical testing. Allele origin: germline.
Comment: This variant is classified as likely benign based on ACMG/AMP sequence variant interpretation guidelines (Richards et al. 2015 PMID: 25741868, with internal and published modifications).